The following is an entry in ClinVar:

NM_000936.4(PNLIP):c.571G>A (p.Gly191Arg)

Gene: PNLIP (pancreatic lipase; plus strand). Cytogenetic location: 10q25.3.
Variant type: single nucleotide variant.
Coding change: c.571G>A on transcript NM_000936.4 (MANE Select); coding-DNA position 571, G replaced by A.
Protein change: p.Gly191Arg; replaces glycine 191 with arginine.
Molecular consequence: missense variant.
Genome position (GRCh38, 1-based): chr10:116,553,838, G>A. VCF-style: chr10-116553838-G-A. GRCh37 (hg19) VCF-style: chr10-118313350-G-A.
Other names: short protein forms G191R.
Identifiers: ClinVar variation 2200560 (VCV002200560.3), dbSNP rs767508860, ClinGen allele CA5706519.

ClinVar aggregate classification (germline): Uncertain significance (1 of 4 stars; one submission).

Allele frequency attached by ClinVar (database versions not stated): ExAC 0.00001; TOPMed 0.00002.

Submission:

Labcorp Genetics (formerly Invitae), Labcorp
Classification: Uncertain significance. Last evaluated: 2022-06-15. Review status: criteria provided, single submitter. Criteria: Invitae Variant Classification Sherloc (09022015). Collection method: clinical testing. Allele origin: germline.
Comment: In summary, the available evidence is currently insufficient to determine the role of this variant in disease. Therefore, it has been classified as a Variant of Uncertain Significance. Variants that disrupt the consensus splice site are a relatively common cause of aberrant splicing (PMID: 17576681, 9536098). Algorithms developed to predict the effect of sequence changes on RNA splicing suggest that this variant may disrupt the consensus splice site. Algorithms developed to predict the effect of missense changes on protein structure and function are either unavailable or do not agree on the potential impact of this missense change (SIFT: "Not Available"; PolyPhen-2: "Probably Damaging"; Align-GVGD: "Not Available"). This variant has not been reported in the literature in individuals affected with PNLIP-related conditions. This variant is present in population databases (rs767508860, gnomAD 0.002%). This sequence change replaces glycine, which is neutral and non-polar, with arginine, which is basic and polar, at codon 191 of the PNLIP protein (p.Gly191Arg). This variant also falls at the last nucleotide of exon 6, which is part of the consensus splice site for this exon.

Literature cited by the submitters: PubMed 17576681; PubMed 9536098.